The following is an entry in ClinVar:

NM_015662.3(IFT172):c.2351G>A (p.Arg784Gln)

Gene: IFT172 (intraflagellar transport 172; minus strand). Cytogenetic location: 2p23.3.
Variant type: single nucleotide variant.
Coding change: c.2351G>A on transcript NM_015662.3 (MANE Select); coding-DNA position 2351, G replaced by A.
Protein change: p.Arg784Gln; replaces arginine 784 with glutamine.
Molecular consequence: missense variant.
Genome position (GRCh38, 1-based): chr2:27,461,360, C>T on the plus strand (G>A on the coding strand, the complement: IFT172 is on the minus strand). VCF-style: chr2-27461360-C-T. GRCh37 (hg19) VCF-style: chr2-27684227-C-T.
Other names: c.2351G>A (NM_015662.2, NM_015662.1); short protein forms R784Q.
Identifiers: ClinVar variation 1057611 (VCV001057611.10), dbSNP rs370097039, ClinGen allele CA1580332.

ClinVar aggregate classification (germline): Conflicting classifications of pathogenicity. Review status: criteria provided, conflicting classifications (1 of 4 stars). 5 submissions from 5 submitters: Uncertain significance (3); Likely benign (1). 1 of the submissions does not count toward it. Last evaluated 2026-01-14.

Conditions:
Retinitis pigmentosa 71 (RP71). Identifiers: Orphanet 791, MedGen C4225342, MONDO:0014618, OMIM 616394.
Short-rib thoracic dysplasia 10 with or without polydactyly (SRTD10). Identifiers: Orphanet 474, MedGen C3810175, MONDO:0014284, OMIM 615630.
Bardet-Biedl syndrome 20. Identifiers: MedGen C4310707, MONDO:0023670, OMIM 619471, MONDO:0014926.
IFT172-related disorder. Also called: IFT172-related disorders; IFT172-related condition.
Inborn genetic diseases. Identifiers: MedGen C0950123, MeSH D030342.

Allele frequency attached by ClinVar (database versions not stated): gnomAD exomes 0.00002; TOPMed 0.00003; ExAC 0.00005; gnomAD 0.00005; ESP Exome Variant Server 0.00008.
gnomAD v4.1: 40 of 1,614,040 alleles (0.0025%); highest among the groups gnomAD compares: South Asian, 0.012%; no homozygotes.

Submissions (5):

Labcorp Genetics (formerly Invitae), Labcorp
Classification: Likely benign for Retinitis pigmentosa 71; Short-rib thoracic dysplasia 10 with or without polydactyly. Last evaluated: 2026-01-14. Review status: criteria provided, single submitter. Criteria: Invitae Variant Classification Sherloc (09022015). Collection method: clinical testing. Allele origin: germline.

Ambry Genetics
Classification: Uncertain significance for Inborn genetic diseases. Last evaluated: 2023-03-07. Review status: criteria provided, single submitter. Criteria: Ambry Variant Classification Scheme 2023. Collection method: clinical testing. Allele origin: germline.

Blueprint Genetics
Classification: Uncertain significance. Last evaluated: 2023-02-24. Review status: criteria provided, single submitter. Criteria: ACMG Guidelines, 2015. Collection method: clinical testing. Allele origin: germline.

Fulgent Genetics
Classification: Uncertain significance for Short-rib thoracic dysplasia 10 with or without polydactyly; Retinitis pigmentosa 71; Bardet-Biedl syndrome 20. Last evaluated: 2022-04-04. Review status: criteria provided, single submitter. Criteria: ACMG Guidelines, 2015. Collection method: clinical testing. Allele origin: unknown.

PreventionGenetics, part of Exact Sciences
Classification: Uncertain significance for IFT172-related condition. Last evaluated: 2024-02-27. Review status: no assertion criteria provided. Collection method: clinical testing. Allele origin: germline. Not counted in ClinVar's aggregate classification.
Comment: The IFT172 c.2351G>A variant is predicted to result in the amino acid substitution p.Arg784Gln. To our knowledge, this variant has not been reported in the literature. This variant is reported in 0.012% of alleles in individuals of African descent in gnomAD. At this time, the clinical significance of this variant is uncertain due to the absence of conclusive functional and genetic evidence.